The following is an entry in ClinVar:

NM_003906.5(MCM3AP):c.211C>A (p.Gln71Lys)

Gene: MCM3AP (minichromosome maintenance complex component 3 associated protein; minus strand). Cytogenetic location: 21q22.3.
Variant type: single nucleotide variant.
Coding change: c.211C>A on transcript NM_003906.5 (MANE Select); coding-DNA position 211, C replaced by A.
Protein change: p.Gln71Lys; replaces glutamine 71 with lysine.
Molecular consequence: missense variant.
Genome position (GRCh38, 1-based): chr21:46,285,076, G>T on the plus strand (C>A on the coding strand, the complement: MCM3AP is on the minus strand). VCF-style: chr21-46285076-G-T. GRCh37 (hg19) VCF-style: chr21-47704990-G-T.
Other names: short protein forms Q71K.
Identifiers: ClinVar variation 2132557 (VCV002132557.4), dbSNP rs2517442373, ClinGen allele CA410537781.

ClinVar aggregate classification (germline): Uncertain significance (1 of 4 stars; one submission).

Submission:

Labcorp Genetics (formerly Invitae), Labcorp
Classification: Uncertain significance. Last evaluated: 2022-05-01. Review status: criteria provided, single submitter. Criteria: Invitae Variant Classification Sherloc (09022015). Collection method: clinical testing. Allele origin: germline.
Comment: This sequence change replaces glutamine, which is neutral and polar, with lysine, which is basic and polar, at codon 71 of the MCM3AP protein (p.Gln71Lys). In summary, the available evidence is currently insufficient to determine the role of this variant in disease. Therefore, it has been classified as a Variant of Uncertain Significance. Algorithms developed to predict the effect of missense changes on protein structure and function (SIFT, PolyPhen-2, Align-GVGD) all suggest that this variant is likely to be tolerated. This variant has not been reported in the literature in individuals affected with MCM3AP-related conditions. This variant is not present in population databases (gnomAD no frequency).